The following is an entry in ClinVar:

NM_014978.3(SORCS3):c.967A>G (p.Met323Val)

Gene: SORCS3 (sortilin related VPS10 domain containing receptor 3; plus strand). Cytogenetic location: 10q25.1.
Variant type: single nucleotide variant.
Coding change: c.967A>G on transcript NM_014978.3 (MANE Select); coding-DNA position 967, A replaced by G.
Protein change: p.Met323Val; replaces methionine 323 with valine.
Molecular consequence: missense variant.
Genome position (GRCh38, 1-based): chr10:105,043,067, A>G. VCF-style: chr10-105043067-A-G. GRCh37 (hg19) VCF-style: chr10-106802825-A-G.
Other names: short protein forms M323V.
Identifiers: ClinVar variation 3041404 (VCV003041404.2), dbSNP rs145778074, ClinGen allele CA5683454.

ClinVar aggregate classification (germline): Likely benign (0 of 4 stars; one submission).

Conditions:
SORCS3-related disorder. Also called: SORCS3-related condition.

Allele frequency attached by ClinVar (database versions not stated): TOPMed 0.00056; ESP Exome Variant Server 0.00062; gnomAD 0.00075; ExAC 0.00132.
gnomAD v4.1: 1,493 of 1,613,686 alleles (0.093%); highest among the groups gnomAD compares: Non-Finnish European, 0.099%; 3 homozygotes.

Submission:

PreventionGenetics, part of Exact Sciences
Classification: Likely benign for SORCS3-related condition. Last evaluated: 2022-03-21. Review status: no assertion criteria provided. Collection method: clinical testing. Allele origin: germline.
Comment: This variant is classified as likely benign based on ACMG/AMP sequence variant interpretation guidelines (Richards et al. 2015 PMID: 25741868, with internal and published modifications).